The following is an entry in ClinVar:

NM_013450.4(BAZ2B):c.4312T>G (p.Cys1438Gly)

Genes: BAZ2B (bromodomain adjacent to zinc finger domain 2B; minus strand), LOC126806390 (CDK7 strongly-dependent group 2 enhancer GRCh37_chr2:160205700-160206899; plus strand). Cytogenetic location: 2q24.2.
Variant type: single nucleotide variant.
Coding change: c.4312T>G on transcript NM_013450.4 (MANE Select); coding-DNA position 4312, T replaced by G.
Protein change: p.Cys1438Gly; replaces cysteine 1438 with glycine.
Molecular consequence: missense variant.
Genome position (GRCh38, 1-based): chr2:159,350,259, A>C on the plus strand (T>G on the coding strand, the complement: BAZ2B is on the minus strand). VCF-style: chr2-159350259-A-C. GRCh37 (hg19) VCF-style: chr2-160206770-A-C.
Other names: c.4204T>G, p.Cys1402Gly (NM_001289975.1); c.4150T>G, p.Cys1384Gly (NM_001329857.2); c.4237T>G, p.Cys1413Gly (NM_001329858.2); short protein forms C1384G, C1402G, C1413G, C1438G.
Identifiers: ClinVar variation 3766206 (VCV003766206.1).

ClinVar aggregate classification (germline): Uncertain significance (1 of 4 stars; one submission).

Submission:

GeneDx
Classification: Uncertain significance. Last evaluated: 2024-08-28. Review status: criteria provided, single submitter. Criteria: GeneDx Variant Classification Process June 2021. Collection method: clinical testing. Allele origin: germline. Affected: yes.
Comment: Not observed at significant frequency in large population cohorts (gnomAD); In silico analysis indicates that this missense variant does not alter protein structure/function; Has not been previously published as pathogenic or benign to our knowledge